The following is an entry in ClinVar:

ClinVar aggregate classification (germline): Pathogenic/Likely pathogenic. Review status: criteria provided, multiple submitters, no conflicts (2 of 4 stars). 2 submissions from 2 submitters: Pathogenic (1); Likely pathogenic (1). Last evaluated 2023-04-09.

Conditions:
Sotos syndrome (SOTOS). Also called: Distinctive facial appearance, overgrowth in childhood, and learning disabilities or delayed development; CHROMOSOME 5q35 DELETION SYNDROME; Sotos' syndrome; SOTOS SYNDROME 1; CEREBRAL GIGANTISM. Identifiers: Orphanet 821, MedGen C0175695, MONDO:0019349, OMIM 117550.

Submissions (2):

Labcorp Genetics (formerly Invitae), Labcorp
Classification: Pathogenic. Last evaluated: 2023-04-09. Review status: criteria provided, single submitter. Criteria: Invitae Variant Classification Sherloc (09022015). Collection method: clinical testing. Allele origin: germline.
Comment: ClinVar contains an entry for this variant (Variation ID: 1215538). For these reasons, this variant has been classified as Pathogenic. This variant disrupts a region of the NSD1 protein in which other variant(s) (p.Cys2202Tyr) have been determined to be pathogenic (PMID: 16222665, 25533962, 29276005; Invitae). This suggests that this is a clinically significant region of the protein, and that variants that disrupt it are likely to be disease-causing. This variant is also known as 6291-4delGAAA. This premature translational stop signal has been observed in individual(s) with clinical features of Sotos syndrome (PMID: 15942875, 17565729). In at least one individual the variant was observed to be de novo. This variant is not present in population databases (gnomAD no frequency). This sequence change creates a premature translational stop signal (p.Lys2097Asnfs*52) in the NSD1 gene. While this is not anticipated to result in nonsense mediated decay, it is expected to disrupt the last 600 amino acid(s) of the NSD1 protein.

GeneDx
Classification: Likely pathogenic. Last evaluated: 2021-05-03. Review status: criteria provided, single submitter. Criteria: GeneDx Variant Classification Process June 2021. Collection method: clinical testing. Allele origin: germline. Affected: yes.
Comment: Frameshift variant predicted to result in protein truncation, as the last 600 amino acids are replaced with 51 different amino acids, and other loss-of-function variants have been reported downstream in the Human Gene Mutation Database (Stenson et al., 2014); Not observed in large population cohorts (Lek et al., 2016); This variant is associated with the following publications: (PMID: 17565729, 15942875)

Literature cited by the submitters: PubMed 16222665 (cited by Labcorp Genetics (formerly Invitae), Labcorp); PubMed 25533962 (cited by Labcorp Genetics (formerly Invitae), Labcorp); PubMed 29276005 (cited by Labcorp Genetics (formerly Invitae), Labcorp); PubMed 15942875 (cited by Labcorp Genetics (formerly Invitae), Labcorp); PubMed 17565729 (cited by Labcorp Genetics (formerly Invitae), Labcorp).

NM_022455.5(NSD1):c.6291_6294del (p.Lys2097fs)

Gene: NSD1 (nuclear receptor binding SET domain protein 1; plus strand). Cytogenetic location: 5q35.3.
Variant type: Deletion.
Coding change: c.6291_6294del on transcript NM_022455.5 (MANE Select); coding-DNA positions 6291 to 6294, 4 bases deleted (GAAA; older notation c.6291_6294delGAAA).
Protein change: p.Lys2097fs; shifts the reading frame from lysine 2097.
Molecular consequence: frameshift variant.
Genome position (GRCh38, 1-based): chr5:177,291,986-177,291,989, GAAA deleted; deleting any 4 consecutive bases within chr5:177,291,983-177,291,989 gives the same sequence; the c. name uses the placement nearest the transcript's 3' end. VCF-style (leftmost placement, unchanged base first): chr5-177291982-CAAAG-C. GRCh37 (hg19) VCF-style: chr5-176718983-CAAAG-C.
Other names: c.6291_6294del (NM_022455.4); c.5418_5421delGAAA, p.Lys1806Asnfs (NM_001365684.2, NM_001409308.1, NM_172349.5); c.6291_6294delGAAA, p.Lys2097Asnfs (NM_001409301.1, NM_001409302.1, NM_001409303.1 and 1 more transcripts); c.5871_5874delGAAA, p.Lys1957Asnfs (NM_001409304.1); c.5538_5541delGAAA, p.Lys1846Asnfs (NM_001409305.1); c.5529_5532delGAAA, p.Lys1843Asnfs (NM_001409306.1, NM_001409307.1); c.5169_5172delGAAA, p.Lys1723Asnfs (NM_001409309.1); short protein forms K1828fs, K2097fs.
Identifiers: ClinVar variation 1215538 (VCV001215538.12), dbSNP rs2127276046, ClinGen allele CA2499217788.